The following is an entry in ClinVar:

NM_004360.5(CDH1):c.388-12_388-6dup

Gene: CDH1 (cadherin 1; plus strand). Cytogenetic location: 16q22.1.
Variant type: Duplication.
Coding change: c.388-12_388-6dup on transcript NM_004360.5 (MANE Select); 12 bases into the intron before coding-DNA position 388 through 6 bases into the intron before coding-DNA position 388, 7 bases duplicated (CTTTCCT; older notation c.388-12_388-6dupCTTTCCT).
Molecular consequence: intron variant.
Genome position (GRCh38, 1-based): chr16:68,808,412-68,808,418, CTTTCCT duplicated; duplicating any 7 consecutive bases within chr16:68,808,411-68,808,418 gives the same sequence; the c. name uses the placement nearest the transcript's 3' end. VCF-style (leftmost placement, unchanged base first): chr16-68808410-T-TTCTTTCC. GRCh37 (hg19) VCF-style: chr16-68842313-T-TTCTTTCC.
Other names: c.-1228-12_-1228-6dup (NM_001317185.2); c.-1432-12_-1432-6dup (NM_001317186.2); c.388-12_388-6dup (NM_001317184.2).
Identifiers: ClinVar variation 3378703 (VCV003378703.1).
Genomic context (GRCh38, chr16:68,808,410, plus strand): 5'-CTAGGTTGGACTGTTAGACCTGAAGTATCCGTCTTGAATTGTCTTATCTTGTTCCTCATC[T>TTCTTTCC]TCTTTCCTTTTAGGCCTCCGTTTCTGGAATCCAAGCAGAATTGCTCACATTTCCCAACTC-3'

ClinVar aggregate classification (germline): Likely benign (1 of 4 stars; one submission).

Conditions:
Hereditary diffuse gastric adenocarcinoma (HDGC). Also called: DIFFUSE GASTRIC AND LOBULAR BREAST CANCER SYNDROME. Identifiers: Orphanet 26106, MedGen C1708349, MONDO:0007648, OMIM 137215.

Submission:

Myriad Genetics, Inc.
Classification: Likely benign for Hereditary diffuse gastric adenocarcinoma. Last evaluated: 2024-09-12. Review status: criteria provided, single submitter. Criteria: Myriad Autosomal Dominant, Autosomal Recessive and X-Linked Classification Criteria (2023). Collection method: clinical testing. Allele origin: unknown.
Comment: This variant is considered likely benign. This variant is intronic and is not expected to impact mRNA splicing.